The following is an entry in ClinVar:

ClinVar aggregate classification (germline): Uncertain significance (1 of 4 stars; one submission).

gnomAD v4.1: 2 of 1,614,226 alleles (0.00012%); highest among the groups gnomAD compares: Non-Finnish European, 0.00017%; no homozygotes.

Submission:

Labcorp Genetics (formerly Invitae), Labcorp
Classification: Uncertain significance. Last evaluated: 2024-05-21. Review status: criteria provided, single submitter. Criteria: Invitae Variant Classification Sherloc (09022015). Collection method: clinical testing. Allele origin: germline.
Comment: This sequence change replaces asparagine, which is neutral and polar, with lysine, which is basic and polar, at codon 1282 of the A2ML1 protein (p.Asn1282Lys). This variant is not present in population databases (gnomAD no frequency). This variant has not been reported in the literature in individuals affected with A2ML1-related conditions. An algorithm developed to predict the effect of missense changes on protein structure and function (PolyPhen-2) suggests that this variant is likely to be disruptive. In summary, the available evidence is currently insufficient to determine the role of this variant in disease. Therefore, it has been classified as a Variant of Uncertain Significance.

NM_144670.6(A2ML1):c.3846C>A (p.Asn1282Lys)

Gene: A2ML1 (alpha-2-macroglobulin like 1; plus strand). Cytogenetic location: 12p13.31.
Variant type: single nucleotide variant.
Coding change: c.3846C>A on transcript NM_144670.6 (MANE Select); coding-DNA position 3846, C replaced by A.
Protein change: p.Asn1282Lys; replaces asparagine 1282 with lysine.
Molecular consequence: missense variant.
Genome position (GRCh38, 1-based): chr12:8,867,970, C>A. VCF-style: chr12-8867970-C-A. GRCh37 (hg19) VCF-style: chr12-9020566-C-A.
Other names: c.2373C>A, p.Asn791Lys (NM_001282424.3); short protein forms N791K, N1282K.
Identifiers: ClinVar variation 3716156 (VCV003716156.2).
Genomic context (GRCh38, chr12:8,867,970, plus strand): 5'-CAACCTGGTTGTAAAATCCACTGAGAATTTCCAGCGCACATTCAACATACAGTCAGTTAA[C>A]AGATTGGTATTTCAGCAGGATACCCTGCCCAATGTCCCTGGAATGTACACGTTGGAGGCC-3'
Protein context (NP_653271.3, residues 1272-1292): FQRTFNIQSV[Asn1282Lys]RLVFQQDTLP